The following is an entry in ClinVar:

ClinVar aggregate classification (germline): Benign/Likely benign. Review status: criteria provided, multiple submitters, no conflicts (2 of 4 stars). 4 submissions from 4 submitters: Benign (3); Likely benign (1). Last evaluated 2026-01-15.

Conditions:
SLC24A1-related disorder. Also called: SLC24A1-related condition.
Congenital stationary night blindness 1D. Also called: Night blindness, congenital stationary (complete), 1D, autosomal recessive. Identifiers: Orphanet 215, MedGen C3151193, MONDO:0013450, OMIM 613830.

Allele frequency attached by ClinVar (database versions not stated): gnomAD 0.00013 and 0.00048; ESP Exome Variant Server 0.00016; TOPMed 0.00017; ExAC 0.00181; 1000 Genomes Project 30x 0.00390; 1000 Genomes Project 0.00399.
gnomAD v4.1: 1,124 of 1,614,016 alleles (0.07%); highest among the groups gnomAD compares: South Asian, 1.1%; 7 homozygotes.

Submissions (4):

Labcorp Genetics (formerly Invitae), Labcorp
Classification: Benign. Last evaluated: 2026-01-15. Review status: criteria provided, single submitter. Criteria: Invitae Variant Classification Sherloc (09022015). Collection method: clinical testing. Allele origin: germline.

PreventionGenetics, part of Exact Sciences
Classification: Likely benign for SLC24A1-related condition. Last evaluated: 2024-12-02. Review status: criteria provided, single submitter. Criteria: ACMG Guidelines, 2015. Collection method: clinical testing. Allele origin: germline.
Comment: This variant is classified as likely benign based on ACMG/AMP sequence variant interpretation guidelines (Richards et al. 2015 PMID: 25741868, with internal and published modifications).

Illumina Laboratory Services, Illumina
Classification: Benign for Congenital stationary night blindness 1D. Last evaluated: 2018-01-13. Review status: criteria provided, single submitter. Criteria: ICSL Variant Classification Criteria 13 December 2019. Collection method: clinical testing. Allele origin: germline.
Comment: This variant was observed in the ICSL laboratory as part of a predisposition screen in an ostensibly healthy population. It had not been previously curated by ICSL or reported in the Human Gene Mutation Database (HGMD: prior to June 1st, 2018), and was therefore a candidate for classification through an automated scoring system. Utilizing variant allele frequency, disease prevalence and penetrance estimates, and inheritance mode, an automated score was calculated to assess if this variant is too frequent to cause the disease. Based on the score and internal cut-off values, a variant classified as benign is not then subjected to further curation. The score for this variant resulted in a classification of benign for this disease.

Breakthrough Genomics
Classification: Benign. Review status: criteria provided, single submitter. Criteria: ACMG Guidelines, 2015. Collection method: not provided. Allele origin: germline. Inheritance: Autosomal recessive inheritance. Affected: yes.

NM_004727.3(SLC24A1):c.1374C>T (p.His458=)

Gene: SLC24A1 (solute carrier family 24 member 1; plus strand). Cytogenetic location: 15q22.31.
Variant type: single nucleotide variant.
Coding change: c.1374C>T on transcript NM_004727.3 (MANE Select); coding-DNA position 1374, C replaced by T.
Protein change: p.His458=; no amino-acid change (histidine 458 retained).
Molecular consequence: synonymous variant.
Genome position (GRCh38, 1-based): chr15:65,625,454, C>T. VCF-style: chr15-65625454-C-T. GRCh37 (hg19) VCF-style: chr15-65917792-C-T.
Other names: c.1374C>T, p.His458= (NM_001301031.1, NM_001301032.1, NM_001301033.2).
Identifiers: ClinVar variation 316794 (VCV000316794.15), dbSNP rs370043190, ClinGen allele CA7619891.
Genomic context (GRCh38, chr15:65,625,454, plus strand): 5'-AGAGTACCCCCCAGATCTGTTCAGTGTGGAGGAGCGGCGGCAGGGCTGGGTGGTCCTGCA[C>T]GTTTTTGGCATGATGTATGTGTTTGTGGCCTTGGCCATTGTTTGCGACGAGTACTTCGTT-3'
Protein context (NP_004718.1, residues 448-468): EERRQGWVVL[His458=]VFGMMYVFVA